The following is an entry in ClinVar:

ClinVar aggregate classification (germline): Pathogenic (1 of 4 stars; one submission).

Submission:

Labcorp Genetics (formerly Invitae), Labcorp
Classification: Pathogenic. Last evaluated: 2021-12-02. Review status: criteria provided, single submitter. Criteria: Invitae Variant Classification Sherloc (09022015). Collection method: clinical testing. Allele origin: germline.
Comment: For these reasons, this variant has been classified as Pathogenic. This variant disrupts a region of the STAMBP protein in which other variant(s) (p.Arg424*) have been determined to be pathogenic (PMID: 23542699). This suggests that this is a clinically significant region of the protein, and that variants that disrupt it are likely to be disease-causing. This variant has not been reported in the literature in individuals affected with STAMBP-related conditions. This variant is a gross deletion of the genomic region encompassing exon(s) 11 of the STAMBP gene, which includes the termination codon. This deletion extends beyond the assayed region for this gene and therefore may encompass additional genes. While this deletion is not anticipated to lead to nonsense mediated decay, it is expected to alter mRNA translation or result in a truncated protein product.

Literature cited by the submitters: PubMed 23542699.

NC_000002.11:g.(?_74089310)_(74089386_?)del

Gene: STAMBP (STAM binding protein; plus strand). Cytogenetic location: 2p13.1.
Variant type: Deletion.
Identifiers: ClinVar variation 1458642 (VCV001458642.7).